The following is an entry in ClinVar:

NM_020207.7(ERCC6L2):c.2600AGA[1] (p.Lys868del)

Gene: ERCC6L2 (ERCC excision repair 6 like 2; plus strand). Cytogenetic location: 9q22.32.
Variant type: Microsatellite.
Coding change: c.2600AGA[1] on transcript NM_020207.7 (MANE Select); one copy of the 3-base unit AGA starting at c.2600; the reference has two copies in a row; one copy, 3 bases deleted.
Protein change: p.Lys868del; deletes lysine 868.
Molecular consequence: inframe deletion. On other transcripts: non-coding transcript variant (1).
Genome position (GRCh38, 1-based): chr9:95,972,354-95,972,356, AGA deleted; deleting any 3 consecutive bases within chr9:95,972,351-95,972,356 gives the same sequence; the position shown is the placement nearest the transcript's 3' end. VCF-style (leftmost placement, unchanged base first): chr9-95972350-GAGA-G. GRCh37 (hg19) VCF-style: chr9-98734632-GAGA-G.
Other names: c.2600AGA[1], p.Lys868del (NM_001375291.1, NM_001375292.1, NM_001375293.1 and 1 more transcripts); short protein forms K868del.
Identifiers: ClinVar variation 1935848 (VCV001935848.5), dbSNP rs2490551342, ClinGen allele CA2580616252.

ClinVar aggregate classification (germline): Uncertain significance (1 of 4 stars; one submission).

Submission:

Labcorp Genetics (formerly Invitae), Labcorp
Classification: Uncertain significance. Last evaluated: 2022-05-19. Review status: criteria provided, single submitter. Criteria: Invitae Variant Classification Sherloc (09022015). Collection method: clinical testing. Allele origin: germline.
Comment: This variant is not present in population databases (gnomAD no frequency). This variant, c.2636_2638del, results in the deletion of 1 amino acid(s) of the ERCC6L2 protein (p.Lys879del), but otherwise preserves the integrity of the reading frame. This variant has not been reported in the literature in individuals affected with ERCC6L2-related conditions. In summary, the available evidence is currently insufficient to determine the role of this variant in disease. Therefore, it has been classified as a Variant of Uncertain Significance. Experimental studies and prediction algorithms are not available or were not evaluated, and the functional significance of this variant is currently unknown.